The following is an entry in ClinVar:

NM_000260.4(MYO7A):c.4111G>A (p.Val1371Met)

Gene: MYO7A (myosin VIIA; plus strand). Cytogenetic location: 11q13.5.
Variant type: single nucleotide variant.
Coding change: c.4111G>A on transcript NM_000260.4 (MANE Select); coding-DNA position 4111, G replaced by A.
Protein change: p.Val1371Met; replaces valine 1371 with methionine.
Molecular consequence: missense variant.
Genome position (GRCh38, 1-based): chr11:77,192,237, G>A. VCF-style: chr11-77192237-G-A. GRCh37 (hg19) VCF-style: chr11-76903282-G-A.
Other names: c.4111G>A, p.Val1371Met (NM_001127180.2); c.4078G>A, p.Val1360Met (NM_001369365.1); short protein forms V1371M, V1360M.
Identifiers: ClinVar variation 4698282 (VCV004698282.1).
Genomic context (GRCh38, chr11:77,192,237, plus strand): 5'-TTCACGCCCTGGCACAGCCCCTCCGAGGACAACGTGGCCACCAACCTCATCTACCAGCAG[G>A]TGGTGCGAGGAGTCAAGTTTGGGGAGTACAGGTGTGAGAAGGTGAGTGGGAGGGAATCTT-3'
Protein context (NP_000251.3, residues 1361-1381): NVATNLIYQQ[Val1371Met]VRGVKFGEYR

ClinVar aggregate classification (germline): Uncertain significance (1 of 4 stars; one submission).

Submission:

Labcorp Genetics (formerly Invitae), Labcorp
Classification: Uncertain significance. Last evaluated: 2026-01-20. Review status: criteria provided, single submitter. Criteria: Invitae Variant Classification Sherloc (09022015). Collection method: clinical testing. Allele origin: germline.
Comment: This sequence change replaces valine, which is neutral and non-polar, with methionine, which is neutral and non-polar, at codon 1371 of the MYO7A protein (p.Val1371Met). This variant is not present in population databases (gnomAD no frequency). This missense change has been observed in individual(s) with deafness (PMID: 32279305; internal data). Invitae Evidence Modeling of protein sequence and biophysical properties (such as structural, functional, and spatial information, amino acid conservation, physicochemical variation, residue mobility, and thermodynamic stability) indicates that this missense variant is not expected to disrupt MYO7A protein function with a negative predictive value of 95%. In summary, the available evidence is currently insufficient to determine the role of this variant in disease. Therefore, it has been classified as a Variant of Uncertain Significance.

Literature cited by the submitters: PubMed 32279305.